The following is an entry in ClinVar:

NM_001100913.3(PACS2):c.362A>G (p.Tyr121Cys)

Gene: PACS2 (phosphofurin acidic cluster sorting protein 2; plus strand). Cytogenetic location: 14q32.33.
Variant type: single nucleotide variant.
Coding change: c.362A>G on transcript NM_001100913.3 (MANE Select); coding-DNA position 362, A replaced by G.
Protein change: p.Tyr121Cys; replaces tyrosine 121 with cysteine.
Molecular consequence: missense variant.
Genome position (GRCh38, 1-based): chr14:105,355,116, A>G. VCF-style: chr14-105355116-A-G. GRCh37 (hg19) VCF-style: chr14-105821453-A-G.
Other names: c.161A>G, p.Tyr54Cys (NM_001243127.3); c.362A>G, p.Tyr121Cys (NM_015197.4); short protein forms Y121C, Y54C.
Identifiers: ClinVar variation 2825156 (VCV002825156.3), dbSNP rs2544583647, ClinGen allele CA391200593.
Genomic context (GRCh38, chr14:105,355,116, plus strand): 5'-CTCACTTCTTGAAGAGGGAAGGCAACAAGCTTCAGATCATGCTGCAGCGCAGAAAGCGCT[A>G]CAAGAACAGAACCATCCTGGGCTACAAGACGCTGGCCGCGGGCTCCATCAGCATGGCTGA-3'
Protein context (NP_001094383.2, residues 111-131): LQIMLQRRKR[Tyr121Cys]KNRTILGYKT

ClinVar aggregate classification (germline): Uncertain significance (1 of 4 stars; one submission).

Submission:

Labcorp Genetics (formerly Invitae), Labcorp
Classification: Uncertain significance. Last evaluated: 2023-01-09. Review status: criteria provided, single submitter. Criteria: Invitae Variant Classification Sherloc (09022015). Collection method: clinical testing. Allele origin: germline.
Comment: In summary, the available evidence is currently insufficient to determine the role of this variant in disease. Therefore, it has been classified as a Variant of Uncertain Significance. Algorithms developed to predict the effect of missense changes on protein structure and function (SIFT, PolyPhen-2, Align-GVGD) all suggest that this variant is likely to be disruptive. This variant has not been reported in the literature in individuals affected with PACS2-related conditions. This variant is not present in population databases (gnomAD no frequency). This sequence change replaces tyrosine, which is neutral and polar, with cysteine, which is neutral and slightly polar, at codon 121 of the PACS2 protein (p.Tyr121Cys).